The following is an entry in ClinVar:

NM_001374828.1(ARID1B):c.4058+1del

Gene: ARID1B (AT-rich interaction domain 1B; plus strand). Cytogenetic location: 6q25.3.
Variant type: Deletion.
Coding change: c.4058+1del on transcript NM_001374828.1 (MANE Select); the canonical splice donor site of the intron after coding-DNA position 4058, one base deleted (G; older notation c.4058+1delG).
Molecular consequence: splice donor variant.
Genome position (GRCh38, 1-based): chr6:157,189,781, G deleted; the last of 2 consecutive G bases (chr6:157,189,780-157,189,781); deleting either gives the same sequence. VCF-style (leftmost placement, unchanged base first): chr6-157189779-AG-A. GRCh37 (hg19) VCF-style: chr6-157510913-AG-A.
Other names: c.3938+1del (NM_001371656.1, NM_001374820.1); c.4100+1del (NM_001438483.1); c.3941+1del (NM_001438486.1); c.4187+1del (NM_001438482.1); c.3899+1del (NM_017519.3); c.3878+1del (NM_001438487.1); c.3968+1del (NM_001438485.1); c.1559+1del (NM_001363725.2); and 1 more.
Identifiers: ClinVar variation 4083398 (VCV004083398.1).

ClinVar aggregate classification (germline): Pathogenic (1 of 4 stars; one submission).

Submission:

GeneDx
Classification: Pathogenic. Last evaluated: 2025-03-05. Review status: criteria provided, single submitter. Criteria: GeneDx Variant Classification Process June 2021. Collection method: clinical testing. Allele origin: germline. Affected: yes.
Comment: Canonical splice site variant predicted to result in a null allele in a gene for which loss of function is a known mechanism of disease; Not observed at significant frequency in large population cohorts (gnomAD); This variant is associated with the following publications: (PMID: 35982160, 35982159)